The following is an entry in ClinVar:

NM_002303.6(LEPR):c.36T>C (p.His12=)

Gene: LEPR (leptin receptor; plus strand). Cytogenetic location: 1p31.3.
Variant type: single nucleotide variant.
Coding change: c.36T>C on transcript NM_002303.6 (MANE Select); coding-DNA position 36, T replaced by C.
Protein change: p.His12=; no amino-acid change (histidine 12 retained).
Molecular consequence: synonymous variant.
Genome position (GRCh38, 1-based): chr1:65,565,601, T>C. VCF-style: chr1-65565601-T-C. GRCh37 (hg19) VCF-style: chr1-66031284-T-C.
Other names: c.36T>C, p.His12= (NM_001003679.3, NM_001003680.3, NM_001198687.2 and 2 more transcripts).
Identifiers: ClinVar variation 727197 (VCV000727197.23), dbSNP rs147768538, ClinGen allele CA894436.

ClinVar aggregate classification (germline): Conflicting classifications of pathogenicity. Review status: criteria provided, conflicting classifications (1 of 4 stars). 7 submissions from 7 submitters: Uncertain significance (1); Benign (2); Likely benign (3). 1 of the submissions does not count toward it. Last evaluated 2026-01-12.

Conditions:
LEPR-related disorder. Also called: LEPR-related disorders; LEPR-related condition.
Obesity due to leptin receptor gene deficiency. Identifiers: Orphanet 179494, MedGen C3554225, MONDO:0013992, OMIM 614963.

Allele frequency attached by ClinVar (database versions not stated): gnomAD exomes 0.00026 and 0.00072; ExAC 0.00079; ESP Exome Variant Server 0.00262; gnomAD 0.00264 and 0.00286; TOPMed 0.00314; 1000 Genomes Project 0.00359; 1000 Genomes Project 30x 0.00359.
gnomAD v4.1: 804 of 1,613,942 alleles (0.05%); highest among the groups gnomAD compares: African/African-American, 0.93%; 2 homozygotes.

Submissions (7):

Labcorp Genetics (formerly Invitae), Labcorp
Classification: Benign. Last evaluated: 2026-01-12. Review status: criteria provided, single submitter. Criteria: Invitae Variant Classification Sherloc (09022015). Collection method: clinical testing. Allele origin: germline.

CeGaT Center for Human Genetics Tuebingen
Classification: Likely benign. Last evaluated: 2025-03-01. Review status: criteria provided, single submitter. Criteria: CeGaT Center For Human Genetics Tuebingen Variant Classification Criteria Version 2. Collection method: clinical testing. Allele origin: germline. Affected: yes. Observed: 1 variant allele.
Comment: LEPR: BP4, BP7

Women's Health and Genetics/Laboratory Corporation of America, LabCorp
Classification: Likely benign. Last evaluated: 2024-12-06. Review status: criteria provided, single submitter. Criteria: LabCorp Variant Classification Summary - May 2015. Collection method: clinical testing. Allele origin: germline.

Blueprint Genetics
Classification: Likely benign. Last evaluated: 2024-11-13. Review status: criteria provided, single submitter. Criteria: ACMG Guidelines, 2015. Collection method: clinical testing. Allele origin: germline.

Athena Diagnostics
Classification: Benign. Last evaluated: 2021-02-25. Review status: criteria provided, single submitter. Criteria: Athena Diagnostics criteria. Collection method: clinical testing. Allele origin: unknown.

Illumina Laboratory Services, Illumina
Classification: Uncertain significance for Obesity due to leptin receptor gene deficiency. Last evaluated: 2018-01-12. Review status: criteria provided, single submitter. Criteria: ICSL Variant Classification Criteria 13 December 2019. Collection method: clinical testing. Allele origin: germline.

PreventionGenetics, part of Exact Sciences
Classification: Benign for LEPR-related condition. Last evaluated: 2023-11-08. Review status: no assertion criteria provided. Collection method: clinical testing. Allele origin: germline. Not counted in ClinVar's aggregate classification.
Comment: This variant is classified as benign based on ACMG/AMP sequence variant interpretation guidelines (Richards et al. 2015 PMID: 25741868, with internal and published modifications).